The following is an entry in ClinVar:

NM_001375524.1(TRRAP):c.3807G>C (p.Gln1269His)

Gene: TRRAP (transformation/transcription domain associated protein; plus strand). Cytogenetic location: 7q22.1.
Variant type: single nucleotide variant.
Coding change: c.3807G>C on transcript NM_001375524.1 (MANE Select); coding-DNA position 3807, G replaced by C.
Protein change: p.Gln1269His; replaces glutamine 1269 with histidine.
Molecular consequence: missense variant.
Genome position (GRCh38, 1-based): chr7:98,931,620, G>C. VCF-style: chr7-98931620-G-C. GRCh37 (hg19) VCF-style: chr7-98529243-G-C.
Other names: c.3807G>C, p.Gln1269His (NM_001244580.2, NM_003496.4); c.3807G>C (NM_003496.3); short protein forms Q1269H.
Identifiers: ClinVar variation 1915830 (VCV001915830.6), dbSNP rs539964537, ClinGen allele CA4360064.

ClinVar aggregate classification (germline): Conflicting classifications of pathogenicity. Review status: criteria provided, conflicting classifications (1 of 4 stars). 2 submissions from 2 submitters: Uncertain significance (1); Benign (1). Last evaluated 2025-01-17.

Conditions:
TRRAP-related disorder. Also called: TRRAP-related condition.

Allele frequency attached by ClinVar (database versions not stated): TOPMed 0.00002; ExAC 0.00003.
gnomAD v4.1: 40 of 1,614,084 alleles (0.0025%); highest among the groups gnomAD compares: Middle Eastern, 0.049%; no homozygotes.

Submissions (2):

PreventionGenetics, part of Exact Sciences
Classification: Uncertain significance for TRRAP-related condition. Last evaluated: 2025-01-17. Review status: criteria provided, single submitter. Criteria: ACMG Guidelines, 2015. Collection method: clinical testing. Allele origin: germline.
Comment: The TRRAP c.3807G>C variant is predicted to result in the amino acid substitution p.Gln1269His. To our knowledge, this variant has not been reported in the literature. This variant is reported in 0.0062% of alleles in individuals of African descent in gnomAD. At this time, the clinical significance of this variant is uncertain due to the absence of conclusive functional and genetic evidence.

Labcorp Genetics (formerly Invitae), Labcorp
Classification: Benign. Last evaluated: 2023-07-17. Review status: criteria provided, single submitter. Criteria: Invitae Variant Classification Sherloc (09022015). Collection method: clinical testing. Allele origin: germline.